The following is an entry in ClinVar:

ClinVar aggregate classification (germline): Pathogenic/Likely pathogenic. Review status: criteria provided, multiple submitters, no conflicts (2 of 4 stars). 2 submissions from 2 submitters: Pathogenic (1); Likely pathogenic (1). Last evaluated 2026-04-01.

Conditions:
Spermatogenic failure 51. Identifiers: MedGen C5543033, MONDO:0030926, OMIM 619177.
Primary ciliary dyskinesia. Also called: Ciliary dyskinesia. Identifiers: Orphanet 244, MedGen C0008780, MONDO:0016575, HP:0012265.

gnomAD v4.1: 465 of 1,559,196 alleles (0.03%); highest among the groups gnomAD compares: Non-Finnish European, 0.039%; no homozygotes.

Submissions (2):

Department of Human Genetics, Hannover Medical School
Classification: Pathogenic for Primary Ciliary Dyskinesia. Last evaluated: 2026-04-01. Review status: criteria provided, single submitter. Criteria: ACMG Guidelines, 2015. Collection method: research. Allele origin: germline. Affected: no.
Comment: Classification performed by HerediClassify using the following criteria:['PM2_supporting: Variant occures does not occur as homozygous in gnomAD.', 'PVS1_splicing_very_strong: Transcript ENST00000273390 undergoes NMD.', "PP4_supporting: The modified PICADAR socre of 2.0 exceeds threshold of 2 achieving 'supporting' evidence strength."]

First Genomix Gene Laboratory, Genetic Diagnostics Department
Classification: Likely pathogenic for Spermatogenic failure 51. Last evaluated: 2025-01-08. Review status: criteria provided, single submitter. Criteria: ACMG Guidelines, 2015. Collection method: clinical testing. Allele origin: germline. Inheritance: Autosomal recessive inheritance. Affected: no. Observed: 1 variant allele.

NM_033364.4(CFAP91):c.359+1G>A

Gene: CFAP91 (cilia and flagella associated protein 91; plus strand). Cytogenetic location: 3q13.33.
Variant type: single nucleotide variant.
Coding change: c.359+1G>A on transcript NM_033364.4 (MANE Select); the canonical splice donor site of the intron after coding-DNA position 359, G replaced by A.
Molecular consequence: splice donor variant. On other transcripts: intron variant (1).
Genome position (GRCh38, 1-based): chr3:119,707,562, G>A. VCF-style: chr3-119707562-G-A. GRCh37 (hg19) VCF-style: chr3-119426409-G-A.
Other names: c.299+1G>A (NM_001320316.2); c.173+1G>A (NM_001320317.2); c.-19-1029G>A (NM_001320318.2).
Identifiers: ClinVar variation 4845746 (VCV004845746.2).